The following is an entry in ClinVar:

ClinVar aggregate classification (germline): Uncertain significance (1 of 4 stars; one submission).

Conditions:
Hereditary breast ovarian cancer syndrome. Also called: Hereditary breast and ovarian cancer syndrome (HBOC); Hereditary breast and ovarian cancer; Breast and ovarian cancer; Hereditary breast and/or ovarian cancer syndrome; BRCA1- and BRCA2-Associated Hereditary Breast and Ovarian Cancer; Hereditary breast and ovarian cancer syndrome. Identifiers: Orphanet 145, MedGen C0677776, MeSH D061325, MONDO:0003582. Disease mechanism: loss of function.

Submission:

Labcorp Genetics (formerly Invitae), Labcorp
Classification: Uncertain significance for Hereditary breast ovarian cancer syndrome. Last evaluated: 2025-06-01. Review status: criteria provided, single submitter. Criteria: Invitae Variant Classification Sherloc (09022015). Collection method: clinical testing. Allele origin: germline.
Comment: This sequence change replaces serine, which is neutral and polar, with arginine, which is basic and polar, at codon 3123 of the BRCA2 protein (p.Ser3123Arg). This variant is not present in population databases (gnomAD no frequency). This variant has not been reported in the literature in individuals affected with BRCA2-related conditions. Invitae Evidence Modeling incorporating data from in vitro experimental studies (PMID: 33609447) indicates that this missense variant is not expected to disrupt BRCA2 function with a negative predictive value of 95%. In summary, the available evidence is currently insufficient to determine the role of this variant in disease. Therefore, it has been classified as a Variant of Uncertain Significance.

Literature cited by the submitters: PubMed 33609447.

NM_000059.4(BRCA2):c.9369C>G (p.Ser3123Arg)

Gene: BRCA2 (BRCA2 DNA repair associated; plus strand). Cytogenetic location: 13q13.1.
Variant type: single nucleotide variant.
Coding change: c.9369C>G on transcript NM_000059.4 (MANE Select); coding-DNA position 9369, C replaced by G.
Protein change: p.Ser3123Arg; replaces serine 3123 with arginine.
Molecular consequence: missense variant. On other transcripts: non-coding transcript variant (1).
Genome position (GRCh38, 1-based): chr13:32,394,801, C>G. VCF-style: chr13-32394801-C-G. GRCh37 (hg19) VCF-style: chr13-32968938-C-G.
Other names: c.9273C>G, p.Ser3091Arg (NM_001406719.1); c.9318C>G, p.Ser3106Arg (NM_001406720.1); c.4437C>G, p.Ser1479Arg (NM_001406721.1); c.2952C>G, p.Ser984Arg (NM_001406722.1); c.9369C>G, p.Ser3123Arg (NM_001432077.1); short protein forms S1479R, S3091R, S3106R, S3123R, S984R.
Identifiers: ClinVar variation 4799782 (VCV004799782.1).